The following is an entry in ClinVar:

NM_001365536.1(SCN9A):c.2561T>C (p.Met854Thr)

Genes: SCN1A-AS1 (SCN1A and SCN9A antisense RNA 1; plus strand), SCN9A (sodium voltage-gated channel alpha subunit 9; minus strand). Cytogenetic location: 2q24.3.
Variant type: single nucleotide variant.
Coding change: c.2561T>C on transcript NM_001365536.1 (MANE Select); coding-DNA position 2561, T replaced by C.
Protein change: p.Met854Thr; replaces methionine 854 with threonine.
Molecular consequence: missense variant.
Genome position (GRCh38, 1-based): chr2:166,277,296, A>G on the plus strand (T>C on the coding strand, the complement: SCN9A is on the minus strand). VCF-style: chr2-166277296-A-G. GRCh37 (hg19) VCF-style: chr2-167133806-A-G.
Other names: c.2528T>C, p.Met843Thr (NM_002977.4); short protein forms M843T, M854T.
Identifiers: ClinVar variation 1008834 (VCV001008834.10), dbSNP rs944479997, ClinGen allele CA59794827.

ClinVar aggregate classification (germline): Uncertain significance. Review status: criteria provided, multiple submitters, no conflicts (2 of 4 stars). 2 submissions from 2 submitters: Uncertain significance (2). Last evaluated 2026-08-23.

Conditions:
Neuropathy, hereditary sensory and autonomic, type 2A (HSAN2A). Also called: MORVAN DISEASE; NEUROPATHY, CONGENITAL SENSORY; NEUROPATHY, HEREDITARY SENSORY RADICULAR, AUTOSOMAL RECESSIVE; NEUROPATHY, HEREDITARY SENSORY, TYPE IIA; NEUROPATHY, PROGRESSIVE SENSORY, OF CHILDREN; HSAN IIA. Identifiers: Orphanet 970, MedGen C2752089, MONDO:0024309, OMIM 201300.
Generalized epilepsy with febrile seizures plus, type 7 (GEFSP7). Also called: GEFS+, TYPE 7. Identifiers: Orphanet 36387, MedGen C2751778, MONDO:0013470, OMIM 613863.
Inborn genetic diseases. Identifiers: MedGen C0950123, MeSH D030342.

Allele frequency attached by ClinVar (database versions not stated): gnomAD 0.00001; gnomAD exomes below 0.00001; TOPMed 0.00001.

Submissions (2):

Ambry Genetics
Classification: Uncertain significance for Inborn genetic diseases. Last evaluated: 2026-08-23. Review status: criteria provided, single submitter. Criteria: Ambry Variant Classification Scheme 2023. Collection method: clinical testing. Allele origin: germline.

Labcorp Genetics (formerly Invitae), Labcorp
Classification: Uncertain significance for Neuropathy, hereditary sensory and autonomic, type 2A; Generalized epilepsy with febrile seizures plus, type 7. Last evaluated: 2025-04-13. Review status: criteria provided, single submitter. Criteria: Invitae Variant Classification Sherloc (09022015). Collection method: clinical testing. Allele origin: germline.
Comment: This sequence change replaces methionine, which is neutral and non-polar, with threonine, which is neutral and polar, at codon 843 of the SCN9A protein (p.Met843Thr). This variant is not present in population databases (gnomAD no frequency). This variant has not been reported in the literature in individuals affected with SCN9A-related conditions. ClinVar contains an entry for this variant (Variation ID: 1008834). Invitae Evidence Modeling of protein sequence and biophysical properties (such as structural, functional, and spatial information, amino acid conservation, physicochemical variation, residue mobility, and thermodynamic stability) indicates that this missense variant is not expected to disrupt SCN9A protein function with a negative predictive value of 95%. In summary, the available evidence is currently insufficient to determine the role of this variant in disease. Therefore, it has been classified as a Variant of Uncertain Significance.